The following is an entry in ClinVar:

NM_006231.4(POLE):c.670T>C (p.Tyr224His)

Gene: POLE (DNA polymerase epsilon, catalytic subunit; minus strand). Cytogenetic location: 12q24.33.
Variant type: single nucleotide variant.
Coding change: c.670T>C on transcript NM_006231.4 (MANE Select); coding-DNA position 670, T replaced by C.
Protein change: p.Tyr224His; replaces tyrosine 224 with histidine.
Molecular consequence: missense variant.
Genome position (GRCh38, 1-based): chr12:132,677,628, A>G on the plus strand (T>C on the coding strand, the complement: POLE is on the minus strand). VCF-style: chr12-132677628-A-G. GRCh37 (hg19) VCF-style: chr12-133254214-A-G.
Other names: c.670T>C (NM_006231.2); short protein forms Y224H.
Identifiers: ClinVar variation 2749281 (VCV002749281.4), dbSNP rs2136020591, ClinGen allele CA387364895.

ClinVar aggregate classification (germline): Uncertain significance. Review status: criteria provided, multiple submitters, no conflicts (2 of 4 stars). 2 submissions from 2 submitters: Uncertain significance (2). Last evaluated 2026-05-08.

Conditions:
Hereditary cancer-predisposing syndrome. Also called: Tumor predisposition; Hereditary neoplastic syndrome; Neoplastic Syndromes, Hereditary; Hereditary Cancer Syndrome. Identifiers: Orphanet 140162, MedGen C0027672, MeSH D009386, MONDO:0015356.

Submissions (2):

Ambry Genetics
Classification: Uncertain significance for Hereditary cancer-predisposing syndrome. Last evaluated: 2026-05-08. Review status: criteria provided, single submitter. Criteria: Ambry Variant Classification Scheme 2023. Collection method: clinical testing. Allele origin: germline.
Comment: The p.Y224H variant (also known as c.670T>C), located in coding exon 7 of the POLE gene, results from a T to C substitution at nucleotide position 670. The tyrosine at codon 224 is replaced by histidine, an amino acid with similar properties. This amino acid position is highly conserved in available vertebrate species. In addition, this alteration is predicted to be tolerated by in silico analysis. Based on the available evidence, the clinical significance of this variant remains unclear.

Labcorp Genetics (formerly Invitae), Labcorp
Classification: Uncertain significance. Last evaluated: 2023-02-01. Review status: criteria provided, single submitter. Criteria: Invitae Variant Classification Sherloc (09022015). Collection method: clinical testing. Allele origin: germline.
Comment: In summary, the available evidence is currently insufficient to determine the role of this variant in disease. Therefore, it has been classified as a Variant of Uncertain Significance. Advanced modeling of protein sequence and biophysical properties (such as structural, functional, and spatial information, amino acid conservation, physicochemical variation, residue mobility, and thermodynamic stability) performed at Invitae indicates that this missense variant is not expected to disrupt POLE protein function. This variant has not been reported in the literature in individuals affected with POLE-related conditions. This variant is not present in population databases (gnomAD no frequency). This sequence change replaces tyrosine, which is neutral and polar, with histidine, which is basic and polar, at codon 224 of the POLE protein (p.Tyr224His).